The following is an entry in ClinVar:

NM_018238.4(AGK):c.-9C>G

Gene: AGK (acylglycerol kinase; plus strand). Cytogenetic location: 7q34.
Variant type: single nucleotide variant.
Coding change: c.-9C>G on transcript NM_018238.4 (MANE Select); 9 bases upstream of the start codon, C replaced by G.
Molecular consequence: 5 prime UTR variant.
Genome position (GRCh38, 1-based): chr7:141,555,458, C>G. VCF-style: chr7-141555458-C-G. GRCh37 (hg19) VCF-style: chr7-141255258-C-G.
Other names: c.-9C>G (NM_001364948.3).
Identifiers: ClinVar variation 3030949 (VCV003030949.2), dbSNP rs2485442139, ClinGen allele CA2740094882.

ClinVar aggregate classification (germline): Likely benign (0 of 4 stars; one submission).

Conditions:
AGK-related disorder. Also called: AGK-related condition; AGK-related disorders. Identifiers: MedGen CN239194.

Submission:

PreventionGenetics, part of Exact Sciences
Classification: Likely benign for AGK-related condition. Last evaluated: 2021-03-19. Review status: no assertion criteria provided. Collection method: clinical testing. Allele origin: germline.
Comment: This variant is classified as likely benign based on ACMG/AMP sequence variant interpretation guidelines (Richards et al. 2015 PMID: 25741868, with internal and published modifications).